The following is an entry in ClinVar:

ClinVar aggregate classification (germline): Uncertain significance (1 of 4 stars; one submission).

Allele frequency attached by ClinVar (database versions not stated): gnomAD exomes below 0.00001; gnomAD 0.00001; TOPMed 0.00001.
gnomAD v4.1: 7 of 1,613,484 alleles (0.00043%); highest among the groups gnomAD compares: African/African-American, 0.0053%; no homozygotes.

Submission:

Labcorp Genetics (formerly Invitae), Labcorp
Classification: Uncertain significance. Last evaluated: 2025-10-13. Review status: criteria provided, single submitter. Criteria: Invitae Variant Classification Sherloc (09022015). Collection method: clinical testing. Allele origin: germline.
Comment: This sequence change replaces threonine, which is neutral and polar, with isoleucine, which is neutral and non-polar, at codon 4224 of the PCLO protein (p.Thr4224Ile). This variant is not present in population databases (gnomAD no frequency). This variant has not been reported in the literature in individuals affected with PCLO-related conditions. ClinVar contains an entry for this variant (Variation ID: 1381165). Experimental studies and prediction algorithms are not available or were not evaluated, and the functional significance of this variant is currently unknown. In summary, the available evidence is currently insufficient to determine the role of this variant in disease. Therefore, it has been classified as a Variant of Uncertain Significance.

NM_033026.6(PCLO):c.12671C>T (p.Thr4224Ile)

Gene: PCLO (piccolo presynaptic cytomatrix protein; minus strand). Cytogenetic location: 7q21.11.
Variant type: single nucleotide variant.
Coding change: c.12671C>T on transcript NM_033026.6 (MANE Select); coding-DNA position 12671, C replaced by T.
Protein change: p.Thr4224Ile; replaces threonine 4224 with isoleucine.
Molecular consequence: missense variant.
Genome position (GRCh38, 1-based): chr7:82,915,315, G>A on the plus strand (C>T on the coding strand, the complement: PCLO is on the minus strand). VCF-style: chr7-82915315-G-A. GRCh37 (hg19) VCF-style: chr7-82544631-G-A.
Other names: c.12671C>T, p.Thr4224Ile (NM_014510.3); short protein forms T4224I.
Identifiers: ClinVar variation 1381165 (VCV001381165.5), dbSNP rs1794420978, ClinGen allele CA367886858.